The following is an entry in ClinVar:

ClinVar aggregate classification (germline): Uncertain significance (1 of 4 stars; one submission).

Allele frequency attached by ClinVar (database versions not stated): gnomAD exomes below 0.00001; gnomAD 0.00001.
gnomAD v4.1: 7 of 1,613,226 alleles (0.00043%); highest among the groups gnomAD compares: African/African-American, 0.0067%; no homozygotes.

Submission:

Labcorp Genetics (formerly Invitae), Labcorp
Classification: Uncertain significance. Last evaluated: 2022-07-19. Review status: criteria provided, single submitter. Criteria: Invitae Variant Classification Sherloc (09022015). Collection method: clinical testing. Allele origin: germline.
Comment: This sequence change replaces threonine, which is neutral and polar, with alanine, which is neutral and non-polar, at codon 949 of the CCDC88A protein (p.Thr949Ala). This variant is present in population databases (no rsID available, gnomAD 0.007%). This variant has not been reported in the literature in individuals affected with CCDC88A-related conditions. ClinVar contains an entry for this variant (Variation ID: 1478037). Algorithms developed to predict the effect of missense changes on protein structure and function (SIFT, PolyPhen-2, Align-GVGD) all suggest that this variant is likely to be tolerated. In summary, the available evidence is currently insufficient to determine the role of this variant in disease. Therefore, it has been classified as a Variant of Uncertain Significance.

NM_001365480.1(CCDC88A):c.2845A>G (p.Thr949Ala)

Gene: CCDC88A (coiled-coil domain containing 88A; minus strand). Cytogenetic location: 2p16.1.
Variant type: single nucleotide variant.
Coding change: c.2845A>G on transcript NM_001365480.1 (MANE Select); coding-DNA position 2845, A replaced by G.
Protein change: p.Thr949Ala; replaces threonine 949 with alanine.
Molecular consequence: missense variant.
Genome position (GRCh38, 1-based): chr2:55,332,576, T>C on the plus strand (A>G on the coding strand, the complement: CCDC88A is on the minus strand). VCF-style: chr2-55332576-T-C. GRCh37 (hg19) VCF-style: chr2-55559712-T-C.
Other names: c.2845A>G, p.Thr949Ala (NM_001135597.2, NM_001254943.2, NM_018084.5); short protein forms T949A.
Identifiers: ClinVar variation 1478037 (VCV001478037.3), dbSNP rs1171836989, ClinGen allele CA346896688.